The following is an entry in ClinVar:

NC_000005.10:g.112707390G>T

Gene: APC (APC regulator of Wnt signaling pathway; plus strand). Cytogenetic location: 5q22.2.
Variant type: single nucleotide variant.
Genome position: GRCh38 VCF-style: chr5-112707390-G-T. GRCh37 (hg19) VCF-style: chr5-112043087-G-T.
Identifiers: ClinVar variation 1345873 (VCV001345873.6), dbSNP rs1750554761, ClinGen allele CA2573138748.

ClinVar aggregate classification (germline): Uncertain significance (1 of 4 stars; one submission).

Conditions:
Familial adenomatous polyposis 1 (FAP1). Also called: FAMILIAL ADENOMATOUS POLYPOSIS 1, ATTENUATED; POLYPOSIS, ADENOMATOUS INTESTINAL. Identifiers: MedGen C2713442, MONDO:0021056, OMIM 175100. Disease mechanism: loss of function.

Submission:

Labcorp Genetics (formerly Invitae), Labcorp
Classification: Uncertain significance for Familial adenomatous polyposis 1. Last evaluated: 2020-10-26. Review status: criteria provided, single submitter. Criteria: Invitae Variant Classification Sherloc (09022015). Collection method: clinical testing. Allele origin: germline.
Comment: This variant occurs in a non-coding region of the APC gene. It does not change the encoded amino acid sequence of the APC protein. The frequency data for this variant in the population databases is considered unreliable, as metrics indicate insufficient coverage at this position in the ExAC database. This variant has not been reported in the literature in individuals with APC-related conditions. Experimental studies and prediction algorithms are not available or were not evaluated, and the functional significance of this variant is currently unknown. In summary, the available evidence is currently insufficient to determine the role of this variant in disease. Therefore, it has been classified as a Variant of Uncertain Significance.